The following is an entry in ClinVar:

NM_198253.3(TERT):c.1540G>T (p.Val514Leu)

Gene: TERT (telomerase reverse transcriptase; minus strand). Cytogenetic location: 5p15.33.
Variant type: single nucleotide variant.
Coding change: c.1540G>T on transcript NM_198253.3 (MANE Select); coding-DNA position 1540, G replaced by T.
Protein change: p.Val514Leu; replaces valine 514 with leucine.
Molecular consequence: missense variant. On other transcripts: non-coding transcript variant (2).
Genome position (GRCh38, 1-based): chr5:1,293,346, C>A on the plus strand (G>T on the coding strand, the complement: TERT is on the minus strand). VCF-style: chr5-1293346-C-A. GRCh37 (hg19) VCF-style: chr5-1293461-C-A.
Other names: c.1540G>T, p.Val514Leu (NM_001193376.3); short protein forms V514L.
Identifiers: ClinVar variation 1337238 (VCV001337238.5), dbSNP rs2126683768, ClinGen allele CA359085107.
Genomic context (GRCh38, chr5:1,293,346, plus strand): 5'-GGCCCTCGACGGCCACCACCTCCTCACCTGGGCTCCTGCGCAGCCAAGCGCAGTCCCGCA[C>A]GCTCATCTTCCACGTCAGCTCCTGCAGCGAGAGCTTGGCATGCTTCCCCAGGGAGATGAA-3'
Protein context (NP_937983.2, residues 504-524): SLQELTWKMS[Val514Leu]RDCAWLRRSP

ClinVar aggregate classification (germline): Uncertain significance. Review status: criteria provided, multiple submitters, no conflicts (2 of 4 stars). 2 submissions from 2 submitters: Uncertain significance (2). Last evaluated 2026-01-19.

Conditions:
Dyskeratosis congenita. Identifiers: Orphanet 1775, MedGen C0265965, MONDO:0015780.

Submissions (2):

Ambry Genetics
Classification: Uncertain significance for Dyskeratosis congenita. Last evaluated: 2026-01-19. Review status: criteria provided, single submitter. Criteria: Ambry Variant Classification Scheme 2023. Collection method: clinical testing. Allele origin: germline.
Comment: The p.V514L variant (also known as c.1540G>T), located in coding exon 2 of the TERT gene, results from a G to T substitution at nucleotide position 1540. The valine at codon 514 is replaced by leucine, an amino acid with highly similar properties. This amino acid position is conserved. In addition, the in silico prediction for this alteration is inconclusive. Based on the available evidence, the clinical significance of this variant remains unclear.

Genetic Services Laboratory, University of Chicago
Classification: Uncertain significance. Last evaluated: 2019-07-08. Review status: criteria provided, single submitter. Criteria: ACMG Guidelines, 2015. Collection method: clinical testing. Allele origin: germline. Affected: no.